The following is an entry in ClinVar:

ClinVar aggregate classification (germline): Pathogenic. Review status: criteria provided, multiple submitters, no conflicts (2 of 4 stars). 9 submissions from 9 submitters: Pathogenic (8). 1 of the submissions does not count toward it. Last evaluated 2026-08-17.

Conditions:
Citrullinemia. Identifiers: Orphanet 187, MedGen C0175683, MONDO:0015991.
Citrullinemia, type II, adult-onset (CDAA). Also called: CITRIN DEFICIENCY, ADOLESCENT OR ADULT ONSET. Identifiers: Orphanet 247585, MedGen CN295299, MONDO:0011326, OMIM 603471.
Neonatal intrahepatic cholestasis due to citrin deficiency (CDNI). Also called: Neonatal Intrahepatic Cholestasis Caused by Citrin Deficiency (NICCD); Neonatal-onset citrullinemia type II; Neonatal-onset citrullinemia type 2; CITRIN DEFICIENCY, NEONATAL OR INFANTILE ONSET. Identifiers: Orphanet 247598, MedGen C1853942, MONDO:0011601, OMIM 605814.
SLC25A13-related disorder. Also called: SLC25A13-related condition.
Citrin deficiency. Identifiers: Orphanet 247582, MedGen C1997910, MONDO:0016602.

Allele frequency attached by ClinVar (database versions not stated): ExAC 0.00001; gnomAD 0.00001; gnomAD exomes 0.00002 and 0.00005; TOPMed 0.00003.
gnomAD v4.1: 73 of 1,613,948 alleles (0.0045%); highest among the groups gnomAD compares: South Asian, 0.0066%; no homozygotes.

Submissions (9):

PreventionGenetics, part of Exact Sciences
Classification: Pathogenic for SLC25A13-related condition. Last evaluated: 2026-08-17. Review status: criteria provided, single submitter. Criteria: ACMG Guidelines, 2015. Collection method: clinical testing. Allele origin: germline.
Comment: The SLC25A13 c.550C>T variant is predicted to result in premature protein termination (p.Arg184*). This variant has been reported along with a second pathogenic variant in SLC25A13, in multiple individuals with citrin deficiency (Lin et al. 2016. PubMed ID: 27405544; Lin et al. 2019. PubMed ID: 31845334). This variant is reported in 0.0033% of alleles in individuals of South Asian descent in gnomAD. Nonsense variants in SLC25A13 are expected to be pathogenic. This variant is interpreted as pathogenic.

Labcorp Genetics (formerly Invitae), Labcorp
Classification: Pathogenic for Citrin deficiency. Last evaluated: 2026-01-17. Review status: criteria provided, single submitter. Criteria: Invitae Variant Classification Sherloc (09022015). Collection method: clinical testing. Allele origin: germline.
Comment: This sequence change creates a premature translational stop signal (p.Arg184*) in the SLC25A13 gene. It is expected to result in an absent or disrupted protein product. Loss-of-function variants in SLC25A13 are known to be pathogenic (PMID: 10369257, 14680984, 27405544). This variant is present in population databases (rs80338716, gnomAD 0.003%). This premature translational stop signal has been observed in individuals with citrin deficiency (PMID: 27405544). ClinVar contains an entry for this variant (Variation ID: 21515). For these reasons, this variant has been classified as Pathogenic.

Natera, Inc.
Classification: Pathogenic for Citrullinemia. Last evaluated: 2025-08-26. Review status: criteria provided, single submitter. Criteria: Natera Variant Classification Schema (03/2026). Collection method: clinical testing. Allele origin: germline.
Comment: The c.550C>T variant in SLC25A13 is a nonsense variant predicted to introduce a stop codon at amino acid 184. This variant is expected to result in nonsense mediated decay, truncation, or a dysfunctional protein product. This variant is rare in the general population with a frequency below the threshold expected for the associated phenotype(s). This variant has been observed in one or more individuals affected with the associated recessive disease, as either homozygous or compound heterozygous with a second variant (PMID: 27405544). Given the available evidence, this variant is classified as Pathogenic.

Baylor Genetics
Classification: Pathogenic for Citrullinemia, type II, adult-onset. Last evaluated: 2024-02-29. Review status: criteria provided, single submitter. Criteria: ACMG Guidelines, 2015. Collection method: clinical testing. Allele origin: unknown.

GeneDx
Classification: Pathogenic. Last evaluated: 2023-11-10. Review status: criteria provided, single submitter. Criteria: GeneDx Variant Classification Process June 2021. Collection method: clinical testing. Allele origin: germline. Affected: yes.
Comment: Nonsense variant predicted to result in protein truncation or nonsense mediated decay in a gene for which loss of function is a known mechanism of disease; Not observed at significant frequency in large population cohorts (gnomAD); This variant is associated with the following publications: (PMID: 23394329, 25525159, 21470889, 15050970, 21161389, 16737877, 16059747, 18578996, 17092749, 23901231, 18392553, 20458766, 24282362, 18162705, 24069319, 20927635, 27405544, 28041819, 19232506, 14680984, 31845334)

Fulgent Genetics
Classification: Pathogenic for Citrullinemia, type II, adult-onset; Neonatal intrahepatic cholestasis due to citrin deficiency. Last evaluated: 2022-02-04. Review status: criteria provided, single submitter. Criteria: ACMG Guidelines, 2015. Collection method: clinical testing. Allele origin: unknown.

Blueprint Genetics
Classification: Pathogenic for SLC25A13-related disorders. Last evaluated: 2022-01-11. Review status: criteria provided, single submitter. Criteria: ACMG Guidelines, 2015. Collection method: clinical testing. Allele origin: germline. Affected: yes. Observed: 1 variant allele.

Neuberg Centre For Genomic Medicine, NCGM
Classification: Pathogenic for Neonatal intrahepatic cholestasis due to citrin deficiency. Review status: criteria provided, single submitter. Criteria: ACMG Guidelines, 2015. Collection method: clinical testing. Allele origin: germline. Inheritance: Autosomal recessive inheritance. Affected: yes.
Comment: The stop gained variant c.550C>T (p.Arg184Ter) in SLC25A13 gene has been observed in individuals affected with citrin deficiency (Lin et al. 2016). This sequence change creates a premature translational stop signal (p.Arg184*) in the SLC25A13 gene. It is expected to result in an absent or disrupted protein product. This variant has been reported to the ClinVar database as Pathogenic. The variant is novel (not in any individuals) in 1000 Genomes. This variant is present in ExAC population database with a frequency of 0.006%. Loss-of-function variants in SLC25A13 are known to be pathogenic (Kobayashi et al. 2003, Lin et al. 2016). The nucleotide change in SLC25A13 is predicted as conserved by GERP++ and PhyloP across 100 vertebrates. For these reasons, this variant has been classified as Pathogenic

GeneReviews
No classification provided. Condition: Neonatal intrahepatic cholestasis due to citrin deficiency. Review status: no classification provided. Collection method: literature only. Allele origin: unknown. Not counted in ClinVar's aggregate classification.

Literature cited by the submitters: PubMed 10369257 (cited by Labcorp Genetics (formerly Invitae), Labcorp); PubMed 14680984 (cited by Labcorp Genetics (formerly Invitae), Labcorp); PubMed 27405544 (cited by Labcorp Genetics (formerly Invitae), Labcorp and Natera, Inc.); PubMed 15050970 (cited by GeneReviews); PubMed 20301360 (cited by GeneReviews); NCBI Bookshelf NBK1181 (cited by GeneReviews).

NM_014251.3(SLC25A13):c.550C>T (p.Arg184Ter)

Gene: SLC25A13 (solute carrier family 25 member 13; minus strand). Cytogenetic location: 7q21.3.
Variant type: single nucleotide variant.
Coding change: c.550C>T on transcript NM_014251.3 (MANE Select); coding-DNA position 550, C replaced by T.
Protein change: p.Arg184Ter; replaces arginine 184 with a stop codon.
Molecular consequence: nonsense. On other transcripts: non-coding transcript variant (1).
Genome position (GRCh38, 1-based): chr7:96,193,102, G>A on the plus strand (C>T on the coding strand, the complement: SLC25A13 is on the minus strand). VCF-style: chr7-96193102-G-A. GRCh37 (hg19) VCF-style: chr7-95822414-G-A.
Other names: c.550C>T, p.Arg184Ter (NM_001160210.2); c.550C>T (NM_001160210.1); short protein forms R184*.
Identifiers: ClinVar variation 21515 (VCV000021515.23), dbSNP rs80338716, ClinGen allele CA342159.